The following is an entry in ClinVar:

NM_031372.4(HNRNPDL):c.10C>G (p.Pro4Ala)

Gene: HNRNPDL (heterogeneous nuclear ribonucleoprotein D like; minus strand). Cytogenetic location: 4q21.22.
Variant type: single nucleotide variant.
Coding change: c.10C>G on transcript NM_031372.4 (MANE Select); coding-DNA position 10, C replaced by G.
Protein change: p.Pro4Ala; replaces proline 4 with alanine.
Molecular consequence: missense variant. On other transcripts: non-coding transcript variant (1).
Genome position (GRCh38, 1-based): chr4:82,429,681, G>C on the plus strand (C>G on the coding strand, the complement: HNRNPDL is on the minus strand). VCF-style: chr4-82429681-G-C. GRCh37 (hg19) VCF-style: chr4-83350834-G-C.
Other names: c.10C>G, p.Pro4Ala (NM_001207000.1); short protein forms P4A.
Identifiers: ClinVar variation 2132872 (VCV002132872.4), dbSNP rs1269836189, ClinGen allele CA357174224.
Genomic context (GRCh38, chr4:82,429,681, plus strand): 5'-AGGCTAAAGTAGCGGGAGCGGAGGGGAACAATGGCGGCGGCACATGGGAAAGCCTGGGCG[G>C]GACCTCCATCGCGGCCCTCCCGGCAAGGAGAGAGGCCACGCGTGAGGGGACGCGGGCTTG-3'
Protein context (NP_112740.1, residues 1-14): MEV[Pro4Ala]PRLSHVPPPL

ClinVar aggregate classification (germline): Uncertain significance (1 of 4 stars; one submission).

Conditions:
Autosomal dominant limb-girdle muscular dystrophy type 1G (LGMDD3). Also called: MUSCULAR DYSTROPHY, LIMB-GIRDLE, AUTOSOMAL DOMINANT 3; Limb-girdle muscular dystrophy, type 1G. Identifiers: Orphanet 55596, MedGen C1836765, MONDO:0012193, OMIM 609115.

Submission:

Labcorp Genetics (formerly Invitae), Labcorp
Classification: Uncertain significance for Autosomal dominant limb-girdle muscular dystrophy type 1G. Last evaluated: 2023-02-02. Review status: criteria provided, single submitter. Criteria: Invitae Variant Classification Sherloc (09022015). Collection method: clinical testing. Allele origin: germline.
Comment: In summary, the available evidence is currently insufficient to determine the role of this variant in disease. Therefore, it has been classified as a Variant of Uncertain Significance. Algorithms developed to predict the effect of missense changes on protein structure and function are either unavailable or do not agree on the potential impact of this missense change (SIFT: "Deleterious"; PolyPhen-2: "Possibly Damaging"; Align-GVGD: "Class C0"). This sequence change replaces proline, which is neutral and non-polar, with alanine, which is neutral and non-polar, at codon 4 of the HNRNPDL protein (p.Pro4Ala). This variant is not present in population databases (gnomAD no frequency). This variant has not been reported in the literature in individuals affected with HNRNPDL-related conditions.